The following is an entry in ClinVar:

NM_177559.3(CSNK2A1):c.1164C>T (p.Gly388=)

Gene: CSNK2A1 (casein kinase 2 alpha 1; minus strand). Cytogenetic location: 20p13.
Variant type: single nucleotide variant.
Coding change: c.1164C>T on transcript NM_177559.3 (MANE Select); coding-DNA position 1164, C replaced by T.
Protein change: p.Gly388=; no amino-acid change (glycine 388 retained).
Molecular consequence: synonymous variant.
Genome position (GRCh38, 1-based): chr20:483,973, G>A on the plus strand (C>T on the coding strand, the complement: CSNK2A1 is on the minus strand). VCF-style: chr20-483973-G-A. GRCh37 (hg19) VCF-style: chr20-464617-G-A.
Other names: c.1164C>T, p.Gly388= (NM_001362770.2, NM_001362771.2, NM_001895.4); c.756C>T, p.Gly252= (NM_177560.3).
Identifiers: ClinVar variation 3388666 (VCV003388666.14).
Genomic context (GRCh38, chr20:483,973, plus strand): 5'-GGTGGACTCCCCCACCTCTGCTCAGGCATCAGGAGACAGATAGGGCCGTTACTGCTGAGC[G>A]CCAGCGGCAGCTGGAACAGGCATCCCAAGGGGGTTGGCAGCAGCAATCACTGGTGAGCCT-3'
Protein context (NP_808227.1, residues 378-391): PLGMPVPAAA[Gly388=]AQQ

ClinVar aggregate classification (germline): Likely benign (1 of 4 stars; one submission).

Submission:

CeGaT Center for Human Genetics Tuebingen
Classification: Likely benign. Last evaluated: 2024-09-01. Review status: criteria provided, single submitter. Criteria: CeGaT Center For Human Genetics Tuebingen Variant Classification Criteria Version 2. Collection method: clinical testing. Allele origin: germline. Affected: yes. Observed: 1 variant allele.
Comment: CSNK2A1: BP4, BP7